The following is an entry in ClinVar:

ClinVar aggregate classification (germline): Uncertain significance (1 of 4 stars; one submission).

Conditions:
Cowden syndrome 6 (CWS6). Identifiers: Orphanet 201, MedGen C3554519, MONDO:0014048, OMIM 615109.

Allele frequency attached by ClinVar (database versions not stated): gnomAD exomes 0.00001; TOPMed 0.00002.
gnomAD v4.1: 11 of 1,614,014 alleles (0.00068%); highest among the groups gnomAD compares: East Asian, 0.0045%; no homozygotes.

Submission:

Labcorp Genetics (formerly Invitae), Labcorp
Classification: Uncertain significance for Cowden syndrome 6. Last evaluated: 2025-07-30. Review status: criteria provided, single submitter. Criteria: Invitae Variant Classification Sherloc (09022015). Collection method: clinical testing. Allele origin: germline.
Comment: This sequence change replaces arginine, which is basic and polar, with histidine, which is basic and polar, at codon 174 of the AKT1 protein (p.Arg174His). This variant is present in population databases (no rsID available, gnomAD 0.006%). This variant has not been reported in the literature in individuals affected with AKT1-related conditions. ClinVar contains an entry for this variant (Variation ID: 953368). An algorithm developed to predict the effect of missense changes on protein structure and function (PolyPhen-2) suggests that this variant is likely to be tolerated. In summary, the available evidence is currently insufficient to determine the role of this variant in disease. Therefore, it has been classified as a Variant of Uncertain Significance.

NM_001382430.1(AKT1):c.521G>A (p.Arg174His)

Gene: AKT1 (AKT serine/threonine kinase 1; minus strand). Cytogenetic location: 14q32.33.
Variant type: single nucleotide variant.
Coding change: c.521G>A on transcript NM_001382430.1 (MANE Select); coding-DNA position 521, G replaced by A.
Protein change: p.Arg174His; replaces arginine 174 with histidine.
Molecular consequence: missense variant.
Genome position (GRCh38, 1-based): chr14:104,775,122, C>T on the plus strand (G>A on the coding strand, the complement: AKT1 is on the minus strand). VCF-style: chr14-104775122-C-T. GRCh37 (hg19) VCF-style: chr14-105241459-C-T.
Other names: c.521G>A, p.Arg174His (NM_001014431.2, NM_001014432.2, NM_001382431.1 and 3 more transcripts); short protein forms R174H.
Identifiers: ClinVar variation 953368 (VCV000953368.9), dbSNP rs1200003171, ClinGen allele CA391219421.